The following is an entry in ClinVar:

ClinVar aggregate classification (germline): Uncertain significance (1 of 4 stars; one submission).

Conditions:
Rhabdoid tumor predisposition syndrome 2 (RTPS2). Identifiers: Orphanet 231108, Orphanet 69077, MedGen C2750074, MONDO:0013224, OMIM 613325.

Submission:

Labcorp Genetics (formerly Invitae), Labcorp
Classification: Uncertain significance for Rhabdoid tumor predisposition syndrome 2. Last evaluated: 2024-04-08. Review status: criteria provided, single submitter. Criteria: Invitae Variant Classification Sherloc (09022015). Collection method: clinical testing. Allele origin: germline.
Comment: This sequence change creates a premature translational stop signal (p.Ser1403Metfs*92) in the SMARCA4 gene. Loss-of-function variants in SMARCA4 are known to be pathogenic (PMID: 24658001, 24658002). However, tissue-specific alternative splicing of SMARCA4 gene results in functional isoforms lacking in-frame exon 30 (also known as exon 28B, PMID: 18437052). For this reason the clinical significance of loss of function variants in exon 30 is currently uncertain. This variant is not present in population databases (gnomAD no frequency). This variant has not been reported in the literature in individuals affected with SMARCA4-related conditions. ClinVar contains an entry for this variant (Variation ID: 408657). In summary, the available evidence is currently insufficient to determine the role of this variant in disease. Therefore, it has been classified as a Variant of Uncertain Significance.

Literature cited by the submitters: PubMed 24658001; PubMed 24658002.

NM_001387283.1(SMARCA4):c.4208del (p.Ser1403fs)

Gene: SMARCA4 (SWI/SNF related BAF chromatin remodeling complex subunit ATPase 4; plus strand). Cytogenetic location: 19p13.2.
Variant type: Deletion.
Coding change: c.4208del on transcript NM_001387283.1 (MANE Plus Clinical); coding-DNA position 4208, one base deleted (G; older notation c.4208delG).
Protein change: p.Ser1403fs; shifts the reading frame from serine 1403.
Molecular consequence: frameshift variant. On other transcripts: intron variant (7).
Genome position (GRCh38, 1-based): chr19:11,039,495, G deleted. VCF-style (leftmost placement, unchanged base first): chr19-11039494-AG-A. GRCh37 (hg19) VCF-style: chr19-11150170-AG-A.
Other names: c.4208del (NM_001128849.1); c.4208del, p.Ser1403fs (NM_001128849.3); c.4171-1812del (NM_001128844.3, NM_003072.5); c.4072-1812del (NM_001128847.4, NM_001374457.1, NM_001128848.2); c.4072-1803del (NM_001128845.2, NM_001128846.2); short protein forms S1403fs.
Identifiers: ClinVar variation 408657 (VCV000408657.10), dbSNP rs1060502088, ClinGen allele CA16616178.